The following is an entry in ClinVar:

NM_000059.4(BRCA2):c.3856A>G (p.Lys1286Glu)

Gene: BRCA2 (BRCA2 DNA repair associated; plus strand). Cytogenetic location: 13q13.1.
Variant type: single nucleotide variant.
Coding change: c.3856A>G on transcript NM_000059.4 (MANE Select); coding-DNA position 3856, A replaced by G.
Protein change: p.Lys1286Glu; replaces lysine 1286 with glutamic acid.
Molecular consequence: missense variant.
Genome position (GRCh38, 1-based): chr13:32,338,211, A>G. VCF-style: chr13-32338211-A-G. GRCh37 (hg19) VCF-style: chr13-32912348-A-G.
Other names: short protein forms K1286E.
Identifiers: ClinVar variation 51542 (VCV000051542.11), dbSNP rs80358629, ClinGen allele CA018967.

ClinVar aggregate classification (germline): Conflicting classifications of pathogenicity. Review status: criteria provided, conflicting classifications (1 of 4 stars). 3 submissions from 3 submitters: Uncertain significance (1); Likely benign (1). 1 of the submissions does not count toward it. Last evaluated 2023-03-23.

Conditions:
Hereditary cancer-predisposing syndrome. Also called: Neoplastic Syndromes, Hereditary; Tumor predisposition; Hereditary Cancer Syndrome; Hereditary neoplastic syndrome. Identifiers: Orphanet 140162, MedGen C0027672, MeSH D009386, MONDO:0015356.
Hereditary breast ovarian cancer syndrome. Also called: Hereditary breast and ovarian cancer syndrome; Hereditary breast and ovarian cancer; Hereditary breast and ovarian cancer syndrome (HBOC); Breast and ovarian cancer; Hereditary breast and/or ovarian cancer syndrome; BRCA1- and BRCA2-Associated Hereditary Breast and Ovarian Cancer. Identifiers: Orphanet 145, MedGen C0677776, MeSH D061325, MONDO:0003582. Disease mechanism: loss of function.
Breast-ovarian cancer, familial, susceptibility to, 2 (BROVCA2). Also called: BRCA2 Hereditary Breast and Ovarian Cancer. Identifiers: Orphanet 145, MedGen C2675520, MONDO:0012933, OMIM 612555. Disease mechanism: loss of function.

Submissions (3):

University of Washington Department of Laboratory Medicine, University of Washington
Classification: Likely benign for Hereditary cancer-predisposing syndrome. Last evaluated: 2023-03-23. Review status: criteria provided, single submitter. Criteria: Dines et al. (Genet Med. 2020). Collection method: curation. Allele origin: germline.
Comment: Missense variant in a coldspot region where missense variants are very unlikely to be pathogenic (PMID:31911673).

BRCA2 exon 11 coldspot. Reclassification based on statistical prior probability.

Labcorp Genetics (formerly Invitae), Labcorp
Classification: Uncertain significance for Hereditary breast ovarian cancer syndrome. Last evaluated: 2019-06-17. Review status: criteria provided, single submitter. Criteria: Invitae Variant Classification Sherloc (09022015). Collection method: clinical testing. Allele origin: germline.
Comment: This sequence change replaces lysine with glutamic acid at codon 1286 of the BRCA2 protein (p.Lys1286Glu). The lysine residue is moderately conserved and there is a small physicochemical difference between lysine and glutamic acid. This variant is not present in population databases (ExAC no frequency). This variant has been observed in several individuals affected with breast and/or ovarian cancer, as well as in unaffected individuals (PMID: 12955716, 9761393). ClinVar contains an entry for this variant (Variation ID: 51542). Algorithms developed to predict the effect of missense changes on protein structure and function output the following: SIFT: "Tolerated"; PolyPhen-2: "Benign"; Align-GVGD: "Class C0". The glutamic acid amino acid residue is found in multiple mammalian species, suggesting that this missense change does not adversely affect protein function. These predictions have not been confirmed by published functional studies and their clinical significance is uncertain. In summary, the available evidence is currently insufficient to determine the role of this variant in disease. Therefore, it has been classified as a Variant of Uncertain Significance.

Breast Cancer Information Core (BIC) (BRCA2)
Classification: Uncertain significance for Breast-ovarian cancer, familial 2. Last evaluated: 1998-11-23. Review status: no assertion criteria provided. Collection method: clinical testing. Allele origin: germline. Affected: yes. Observed: 1 variant allele. Not counted in ClinVar's aggregate classification.

Literature cited by the submitters: PubMed 12955716 (cited by Labcorp Genetics (formerly Invitae), Labcorp); PubMed 9761393 (cited by Labcorp Genetics (formerly Invitae), Labcorp and Breast Cancer Information Core (BIC) (BRCA2)).